The following is an entry in ClinVar:

ClinVar aggregate classification (germline): Likely benign. Review status: criteria provided, multiple submitters, no conflicts (2 of 4 stars). 2 submissions from 2 submitters: Likely benign (2). Last evaluated 2026-06-01.

Conditions:
Atrioventricular septal defect, susceptibility to, 2. Identifiers: MedGen C1853508, MONDO:0011650, OMIM 606217.

Allele frequency attached by ClinVar (database versions not stated): gnomAD 0.00003.
gnomAD v4.1: 44 of 1,612,576 alleles (0.0027%); highest among the groups gnomAD compares: Admixed American, 0.068%; no homozygotes.

Submissions (2):

CeGaT Center for Human Genetics Tuebingen
Classification: Likely benign. Last evaluated: 2026-06-01. Review status: criteria provided, single submitter. Criteria: CeGaT Center For Human Genetics Tuebingen Variant Classification Criteria Version 2. Collection method: clinical testing. Allele origin: germline. Affected: yes. Observed: 1 variant allele.
Comment: CRELD1: BP4, BP7

Labcorp Genetics (formerly Invitae), Labcorp
Classification: Likely benign for Atrioventricular septal defect, susceptibility to, 2. Last evaluated: 2025-02-28. Review status: criteria provided, single submitter. Criteria: Invitae Variant Classification Sherloc (09022015). Collection method: clinical testing. Allele origin: germline.

NM_001077415.3(CRELD1):c.312G>A (p.Glu104=)

Gene: CRELD1 (CRELD disulfide isomerase 1; plus strand). Cytogenetic location: 3p25.3.
Variant type: single nucleotide variant.
Coding change: c.312G>A on transcript NM_001077415.3 (MANE Select); coding-DNA position 312, G replaced by A.
Protein change: p.Glu104=; no amino-acid change (glutamic acid 104 retained).
Molecular consequence: synonymous variant. On other transcripts: non-coding transcript variant (3).
Genome position (GRCh38, 1-based): chr3:9,937,616, G>A. VCF-style: chr3-9937616-G-A. GRCh37 (hg19) VCF-style: chr3-9979300-G-A.
Other names: c.312G>A, p.Glu104= (NM_001031717.4, NM_001374316.1, NM_001374317.1 and 4 more transcripts).
Identifiers: ClinVar variation 701563 (VCV000701563.6), dbSNP rs781628094, ClinGen allele CA2247646.